The following is an entry in ClinVar:

NM_007186.6(CEP250):c.5531A>G (p.Gln1844Arg)

Gene: CEP250 (centrosomal protein 250; plus strand). Cytogenetic location: 20q11.22.
Variant type: single nucleotide variant.
Coding change: c.5531A>G on transcript NM_007186.6 (MANE Select); coding-DNA position 5531, A replaced by G.
Protein change: p.Gln1844Arg; replaces glutamine 1844 with arginine.
Molecular consequence: missense variant.
Genome position (GRCh38, 1-based): chr20:35,503,900, A>G. VCF-style: chr20-35503900-A-G. GRCh37 (hg19) VCF-style: chr20-34091728-A-G.
Other names: c.3635A>G, p.Gln1212Arg (NM_001318219.1); short protein forms Q1212R, Q1844R.
Identifiers: ClinVar variation 1914622 (VCV001914622.4), dbSNP rs777012903, ClinGen allele CA9833886.

ClinVar aggregate classification (germline): Uncertain significance (1 of 4 stars; one submission).

Allele frequency attached by ClinVar (database versions not stated): gnomAD 0.00001; ExAC 0.00003.
gnomAD v4.1: 8 of 1,613,850 alleles (0.0005%); highest among the groups gnomAD compares: Admixed American, 0.01%; no homozygotes.

Submission:

Labcorp Genetics (formerly Invitae), Labcorp
Classification: Uncertain significance. Last evaluated: 2022-08-13. Review status: criteria provided, single submitter. Criteria: Invitae Variant Classification Sherloc (09022015). Collection method: clinical testing. Allele origin: germline.
Comment: This sequence change replaces glutamine, which is neutral and polar, with arginine, which is basic and polar, at codon 1844 of the CEP250 protein (p.Gln1844Arg). This variant is present in population databases (rs777012903, gnomAD 0.02%). This variant has not been reported in the literature in individuals affected with CEP250-related conditions. Algorithms developed to predict the effect of missense changes on protein structure and function output the following: SIFT: "Not Available"; PolyPhen-2: "Benign"; Align-GVGD: "Not Available". The arginine amino acid residue is found in multiple mammalian species, which suggests that this missense change does not adversely affect protein function. In summary, the available evidence is currently insufficient to determine the role of this variant in disease. Therefore, it has been classified as a Variant of Uncertain Significance.